The following is an entry in ClinVar:

NM_182961.4(SYNE1):c.6926T>C (p.Val2309Ala)

Gene: SYNE1 (spectrin repeat containing nuclear envelope protein 1; minus strand). Cytogenetic location: 6q25.2.
Variant type: single nucleotide variant.
Coding change: c.6926T>C on transcript NM_182961.4 (MANE Select); coding-DNA position 6926, T replaced by C.
Protein change: p.Val2309Ala; replaces valine 2309 with alanine.
Molecular consequence: missense variant.
Genome position (GRCh38, 1-based): chr6:152,401,241, A>G on the plus strand (T>C on the coding strand, the complement: SYNE1 is on the minus strand). VCF-style: chr6-152401241-A-G. GRCh37 (hg19) VCF-style: chr6-152722376-A-G.
Other names: c.6947T>C (NM_033071.3); c.6947T>C, p.Val2316Ala (NM_033071.5); short protein forms V2309A, V2316A.
Identifiers: ClinVar variation 1401012 (VCV001401012.10), dbSNP rs1384232957, ClinGen allele CA366119848.

ClinVar aggregate classification (germline): Uncertain significance. Review status: criteria provided, multiple submitters, no conflicts (2 of 4 stars). 2 submissions from 2 submitters: Uncertain significance (2). Last evaluated 2025-10-01.

Conditions:
Emery-Dreifuss muscular dystrophy 4, autosomal dominant (EDMD4). Also called: EMERY-DREIFUSS MUSCULAR DYSTROPHY 4 WITH VARIABLE FEATURES. Identifiers: Orphanet 261, MedGen C2751807, MONDO:0013071, OMIM 612998.
Autosomal recessive ataxia, Beauce type. Also called: SYNE1-Related Autosomal Recessive Cerebellar Ataxia; Spinocerebellar ataxia, autosomal recessive 8; ATAXIA, RECESSIVE, OF BEAUCE; SYNE1 Deficiency. Identifiers: Orphanet 88644, MedGen C1853116, MONDO:0012549, OMIM 610743.

gnomAD v4.1: 6 of 1,614,124 alleles (0.00037%); highest among the groups gnomAD compares: Non-Finnish European, 0.00034%; no homozygotes.

Submissions (2):

Labcorp Genetics (formerly Invitae), Labcorp
Classification: Uncertain significance for Emery-Dreifuss muscular dystrophy 4, autosomal dominant; Autosomal recessive ataxia, Beauce type. Last evaluated: 2025-10-01. Review status: criteria provided, single submitter. Criteria: Invitae Variant Classification Sherloc (09022015). Collection method: clinical testing. Allele origin: germline.
Comment: This sequence change replaces valine, which is neutral and non-polar, with alanine, which is neutral and non-polar, at codon 2316 of the SYNE1 protein (p.Val2316Ala). This variant is present in population databases (no rsID available, gnomAD 0.0008%). This variant has not been reported in the literature in individuals affected with SYNE1-related conditions. ClinVar contains an entry for this variant (Variation ID: 1401012). An algorithm developed to predict the effect of missense changes on protein structure and function (PolyPhen-2) suggests that this variant is likely to be tolerated. In summary, the available evidence is currently insufficient to determine the role of this variant in disease. Therefore, it has been classified as a Variant of Uncertain Significance.

Revvity Omics, Revvity
Classification: Uncertain significance. Last evaluated: 2020-04-14. Review status: criteria provided, single submitter. Criteria: ACMG Guidelines, 2015. Collection method: clinical testing. Allele origin: germline.